The following is an entry in ClinVar:

ClinVar aggregate classification (germline): Conflicting classifications of pathogenicity. Review status: criteria provided, conflicting classifications (1 of 4 stars). 15 submissions from 15 submitters: Uncertain significance (2); Benign (1); Likely benign (10). 2 of the submissions do not count toward it. Last evaluated 2026-01-25.

Conditions:
Breast and/or ovarian cancer. Identifiers: MedGen CN221562.
Hereditary cancer-predisposing syndrome. Also called: Neoplastic Syndromes, Hereditary; Hereditary Cancer Syndrome; Tumor predisposition; Hereditary neoplastic syndrome. Identifiers: Orphanet 140162, MedGen C0027672, MeSH D009386, MONDO:0015356.
Peutz-Jeghers syndrome (PJS). Also called: Peutz-Jeghers polyposis; Periorificial lentiginosis syndrome; POLYPOSIS, HAMARTOMATOUS INTESTINAL; POLYPS-AND-SPOTS SYNDROME. Identifiers: Orphanet 2869, MedGen C0031269, MeSH D010580, MONDO:0008280, OMIM 175200.
Carcinoma of colon (CRC). Also called: Colonic carcinoma; Colon carcinoma. Identifiers: MedGen C0699790, MONDO:0002032.

Allele frequency attached by ClinVar (database versions not stated): ExAC 0.00002; gnomAD exomes 0.00002; gnomAD 0.00005; TOPMed 0.00007.

Submissions (15):

Labcorp Genetics (formerly Invitae), Labcorp
Classification: Likely benign for Peutz-Jeghers syndrome. Last evaluated: 2026-01-25. Review status: criteria provided, single submitter. Criteria: Invitae Variant Classification Sherloc (09022015). Collection method: clinical testing. Allele origin: germline.

Center for Genomic Medicine, Rigshospitalet, Copenhagen University Hospital
Classification: Likely benign. Last evaluated: 2025-03-04. Review status: criteria provided, single submitter. Criteria: ACMG Guidelines, 2015. Collection method: clinical testing. Allele origin: germline.

All of Us Research Program, National Institutes of Health
Classification: Likely benign for Peutz-Jeghers syndrome. Last evaluated: 2024-09-25. Review status: criteria provided, single submitter. Criteria: ACMG Guidelines, 2015. Collection method: clinical testing. Allele origin: germline. Inheritance: Autosomal dominant inheritance. Observed: 7 variant alleles, 7 heterozygotes.
Comment: This study involves interpretation of variants in research participants for the purpose of population health screening. Participant phenotype was not available at the time of variant classification. Additional details can be found in publication PMID: 35346344, PMCID: PMC8962531

Blueprint Genetics
Classification: Likely benign. Last evaluated: 2023-11-16. Review status: criteria provided, single submitter. Criteria: ACMG Guidelines, 2015. Collection method: clinical testing. Allele origin: germline.

CHEO Genetics Diagnostic Laboratory, Children's Hospital of Eastern Ontario
Classification: Uncertain significance for Breast and/or ovarian cancer. Last evaluated: 2023-05-17. Review status: criteria provided, single submitter. Criteria: ACMG Guidelines, 2015. Collection method: clinical testing. Allele origin: germline.

Myriad Genetics, Inc.
Classification: Likely benign for Peutz-Jeghers syndrome. Last evaluated: 2023-04-14. Review status: criteria provided, single submitter. Criteria: Myriad Autosomal Dominant, Autosomal Recessive and X-Linked Classification Criteria (2023). Collection method: clinical testing. Allele origin: unknown.
Comment: This variant is considered likely benign. This variant is intronic and is not expected to impact mRNA splicing.

Sema4
Classification: Likely benign for Hereditary cancer-predisposing syndrome. Last evaluated: 2022-03-01. Review status: criteria provided, single submitter. Criteria: Sema4 Curation Guidelines. Collection method: curation. Allele origin: germline.

Genome-Nilou Lab
Classification: Likely benign for Peutz-Jeghers syndrome. Last evaluated: 2021-07-15. Review status: criteria provided, single submitter. Criteria: ACMG Guidelines, 2015. Collection method: clinical testing. Allele origin: germline. Affected: no.

Quest Diagnostics Nichols Institute San Juan Capistrano
Classification: Likely benign. Last evaluated: 2021-02-24. Review status: criteria provided, single submitter. Criteria: Quest Diagnostics criteria. Collection method: clinical testing. Allele origin: unknown.

Ambry Genetics
Classification: Likely benign for Hereditary cancer-predisposing syndrome. Last evaluated: 2018-09-28. Review status: criteria provided, single submitter. Criteria: Ambry Variant Classification Scheme 2023. Collection method: clinical testing. Allele origin: germline.

Color Diagnostics, LLC DBA Color Health
Classification: Likely benign for Hereditary cancer-predisposing syndrome. Last evaluated: 2017-04-11. Review status: criteria provided, single submitter. Criteria: ACMG Guidelines, 2015. Collection method: clinical testing. Allele origin: germline.

Genomic Diagnostic Laboratory, Division of Genomic Diagnostics, Children's Hospital of Philadelphia
Classification: Uncertain significance for Peutz-Jeghers syndrome. Last evaluated: 2015-10-30. Review status: criteria provided, single submitter. Criteria: DGD Variant Analysis Guidelines. Collection method: clinical testing. Allele origin: unknown.

GeneDx
Classification: Benign. Last evaluated: 2015-03-05. Review status: criteria provided, single submitter. Criteria: GeneDx Variant Classification Process June 2021. Collection method: clinical testing. Allele origin: germline. Affected: yes.

Counsyl
Classification: Likely benign for Peutz-Jeghers syndrome. Last evaluated: 2016-10-19. Review status: no assertion criteria provided. Collection method: clinical testing. Allele origin: unknown. Not counted in ClinVar's aggregate classification.

Department of Pathology and Laboratory Medicine, Sinai Health System
Classification: Uncertain significance for Carcinoma of colon. Review status: no assertion criteria provided. Collection method: clinical testing. Allele origin: unknown. Affected: yes. Study: The Canadian Open Genetics Repository (COGR). Not counted in ClinVar's aggregate classification.
Comment: The STK11 c.465-5C>T variant was not identified in the literature nor was it identified in the LOVD 3.0, database. The variant was identified in dbSNP (ID: rs567202367) as â€šÃ„ÃºWith other alleleâ€šÃ„Ã¹ and ClinVar (4x as likely benign and 1x as uncertain significance by Ambry Genetics, Invitae, Counsyl, Color and The Children Hospital of Philadelphia). The variant was identified in control databases in 1 of 30916 chromosomes at a frequency of 0.00003 (Genome Aggregation Database Feb 27, 2017). The variant was observed in the following populations: East Asian in 1 of 1622 chromosomes (freq: 0.0006), while the variant was not observed in the African, Other, Latino, European Non-Finnish, Ashkenazi Jewish, European Finnish or South Asian populations. The c.465-5C>T variant is located in the 3' splice region but does not affect the invariant -1 and -2 positions. However, positions -3 and -5 to -12 are part of the splicing consensus sequence and variants involving these positions sometimes affect splicing. In addition in silico or computational prediction software programs (SpliceSiteFinder, MaxEntScan, NNSPLICE, GeneSplicer) do not predict a difference in splicing. In summary, based on the above information the clinical significance of this variant cannot be determined with certainty at this time. This variant is classified as a variant of uncertain significance.

NM_000455.5(STK11):c.465-5C>T

Gene: STK11 (serine/threonine kinase 11; plus strand). Cytogenetic location: 19p13.3.
Variant type: single nucleotide variant.
Coding change: c.465-5C>T on transcript NM_000455.5 (MANE Select); 5 bases into the intron before coding-DNA position 465, C replaced by T.
Molecular consequence: intron variant.
Genome position (GRCh38, 1-based): chr19:1,220,368, C>T. VCF-style: chr19-1220368-C-T. GRCh37 (hg19) VCF-style: chr19-1220367-C-T.
Identifiers: ClinVar variation 142034 (VCV000142034.33), dbSNP rs567202367, ClinGen allele CA023036.
Genomic context (GRCh38, chr19:1,220,368, plus strand): 5'-GCAAAGGGGACCCCTGTGAGGGGCAGGGAGGCCTCGGCCCCAGGACGGGTGTGTGCTGCC[C>T]GCAGGTACTTCTGTCAGCTGATTGACGGCCTGGAGTACCTGCATAGCCAGGGCATTGTGC-3'